The following is an entry in ClinVar:

NM_001330700.2(TOP2B):c.1077T>G (p.Ile359Met)

Gene: TOP2B (DNA topoisomerase II beta; minus strand). Cytogenetic location: 3p24.2.
Variant type: single nucleotide variant.
Coding change: c.1077T>G on transcript NM_001330700.2 (MANE Select); coding-DNA position 1077, T replaced by G.
Protein change: p.Ile359Met; replaces isoleucine 359 with methionine.
Molecular consequence: missense variant.
Genome position (GRCh38, 1-based): chr3:25,632,744, A>C on the plus strand (T>G on the coding strand, the complement: TOP2B is on the minus strand). VCF-style: chr3-25632744-A-C. GRCh37 (hg19) VCF-style: chr3-25674235-A-C.
Other names: c.1062T>G, p.Ile354Met (NM_001068.3); short protein forms I359M, I354M.
Identifiers: ClinVar variation 2907733 (VCV002907733.3), dbSNP rs753069547, ClinGen allele CA2288757.

ClinVar aggregate classification (germline): Uncertain significance (1 of 4 stars; one submission).

Allele frequency attached by ClinVar (database versions not stated): gnomAD 0.00001.
gnomAD v4.1: 5 of 1,613,180 alleles (0.00031%); highest among the groups gnomAD compares: Non-Finnish European, 0.00025%; no homozygotes.

Submission:

Labcorp Genetics (formerly Invitae), Labcorp
Classification: Uncertain significance. Last evaluated: 2024-01-29. Review status: criteria provided, single submitter. Criteria: Invitae Variant Classification Sherloc (09022015). Collection method: clinical testing. Allele origin: germline.
Comment: This sequence change replaces isoleucine, which is neutral and non-polar, with methionine, which is neutral and non-polar, at codon 354 of the TOP2B protein (p.Ile354Met). This variant is present in population databases (rs753069547, gnomAD 0.004%). This variant has not been reported in the literature in individuals affected with TOP2B-related conditions. An algorithm developed to predict the effect of missense changes on protein structure and function (PolyPhen-2) suggests that this variant is likely to be tolerated. In summary, the available evidence is currently insufficient to determine the role of this variant in disease. Therefore, it has been classified as a Variant of Uncertain Significance.